The following is an entry in ClinVar:

ClinVar aggregate classification (germline): Benign/Likely benign. Review status: criteria provided, multiple submitters, no conflicts (2 of 4 stars). 9 submissions from 9 submitters: Benign (2); Likely benign (6). 1 of the submissions does not count toward it. Last evaluated 2026-03-27.

Conditions:
Heterotopia, periventricular, X-linked dominant (PVNH1). Also called: PERIVENTRICULAR NODULAR HETEROTOPIA 4; HETEROTOPIA, PERIVENTRICULAR, 1; X-linked periventricular heterotopia; PERIVENTRICULAR NODULAR HETEROTOPIA 1. Identifiers: Orphanet 2149, Orphanet 82004, MedGen C1848213, MONDO:0010233, OMIM 300049.
Frontometaphyseal dysplasia (FMD1). Identifiers: Orphanet 1826, MedGen C0265293, MONDO:0015942.
Melnick-Needles syndrome (MNS). Also called: Melnick-Needles Syndrome (FLNA-MNS); MELNICK-NEEDLES OSTEODYSPLASTY; OSTEODYSPLASTY OF MELNICK AND NEEDLES. Identifiers: Orphanet 2484, MedGen C0025237, MONDO:0010650, OMIM 309350.
Oto-palato-digital syndrome, type II (OPD2). Also called: Otopalatodigital Syndrome, Type II; Otopalatodigital Syndrome Type 2 (FLNA-OPD2); FACIOPALATOOSSEOUS SYNDROME; OPD II SYNDROME. Identifiers: Orphanet 669, Orphanet 90652, MedGen C1844696, MONDO:0010571, OMIM 304120.
Familial thoracic aortic aneurysm and aortic dissection (TAAD). Also called: Thoracic aortic aneurysms and dissections. Identifiers: Orphanet 91387, MedGen C4707243, MONDO:0019625.
FLNA-related disorder.

Allele frequency attached by ClinVar (database versions not stated): TOPMed 0.00019; ESP Exome Variant Server 0.00029.
gnomAD v4.1: 309 of 1,210,571 alleles (0.026%); highest among the groups gnomAD compares: Non-Finnish European, 0.032%; no homozygotes.

Submissions (9):

Molecular Diagnostic Laboratory for Inherited Cardiovascular Disease, Montreal Heart Institute
Classification: Likely benign. Last evaluated: 2026-03-27. Review status: criteria provided, single submitter. Criteria: ACMG Guidelines, 2015. Collection method: clinical testing. Allele origin: germline. Affected: no.
Comment: BS1;BP7

Women's Health and Genetics/Laboratory Corporation of America, LabCorp
Classification: Likely benign. Last evaluated: 2026-02-10. Review status: criteria provided, single submitter. Criteria: LabCorp Variant Classification Summary - May 2015. Collection method: clinical testing. Allele origin: germline.

Labcorp Genetics (formerly Invitae), Labcorp
Classification: Benign for Oto-palato-digital syndrome, type II; Heterotopia, periventricular, X-linked dominant; Frontometaphyseal dysplasia; Melnick-Needles syndrome. Last evaluated: 2025-12-21. Review status: criteria provided, single submitter. Criteria: Invitae Variant Classification Sherloc (09022015). Collection method: clinical testing. Allele origin: germline.

Blueprint Genetics
Classification: Likely benign. Last evaluated: 2024-06-19. Review status: criteria provided, single submitter. Criteria: ACMG Guidelines, 2015. Collection method: clinical testing. Allele origin: germline.

ARUP Laboratories, Molecular Genetics and Genomics, ARUP Laboratories
Classification: Likely benign. Last evaluated: 2024-04-10. Review status: criteria provided, single submitter. Criteria: ARUP Molecular Germline Variant Investigation Process 2024. Collection method: clinical testing. Allele origin: germline.

GeneDx
Classification: Likely benign. Last evaluated: 2020-04-27. Review status: criteria provided, single submitter. Criteria: GeneDx Variant Classification Process June 2021. Collection method: clinical testing. Allele origin: germline. Affected: yes.

Genetic Services Laboratory, University of Chicago
Classification: Benign. Last evaluated: 2017-08-23. Review status: criteria provided, single submitter. Criteria: ACMG Guidelines, 2015. Collection method: clinical testing. Allele origin: germline. Affected: no.

Ambry Genetics
Classification: Likely benign for Familial thoracic aortic aneurysm and aortic dissection. Last evaluated: 2017-06-27. Review status: criteria provided, single submitter. Criteria: Ambry Variant Classification Scheme 2023. Collection method: clinical testing. Allele origin: germline.

PreventionGenetics, part of Exact Sciences
Classification: Likely benign for FLNA-related condition. Last evaluated: 2022-08-08. Review status: no assertion criteria provided. Collection method: clinical testing. Allele origin: germline. Not counted in ClinVar's aggregate classification.
Comment: This variant is classified as likely benign based on ACMG/AMP sequence variant interpretation guidelines (Richards et al. 2015 PMID: 25741868, with internal and published modifications).

NM_001110556.2(FLNA):c.3429C>G (p.Thr1143=)

Gene: FLNA (filamin A; minus strand). Cytogenetic location: Xq28.
Variant type: single nucleotide variant.
Coding change: c.3429C>G on transcript NM_001110556.2 (MANE Select); coding-DNA position 3429, C replaced by G.
Protein change: p.Thr1143=; no amino-acid change (threonine 1143 retained).
Molecular consequence: synonymous variant.
Genome position (GRCh38, 1-based): chrX:154,360,366, G>C on the plus strand (C>G on the coding strand, the complement: FLNA is on the minus strand). VCF-style: chrX-154360366-G-C. GRCh37 (hg19) VCF-style: chrX-153588734-G-C.
Other names: c.3429C>G, p.Thr1143= (NM_001456.4); c.3429C>G (NM_001110556.1).
Identifiers: ClinVar variation 517749 (VCV000517749.33), dbSNP rs183899917, ClinGen allele CA10560705.
Genomic context (GRCh38, chrX:154,360,366, plus strand): 5'-GACTTTGGATGCGTCAAAGCAGGGAACCACGTGGGCCTTGAATGGGGAGCCAGGGATGTG[G>C]GTGTCAGCGAAGAGGATGTTGATGTTGTAGTCCCCGGGCTCGGTGGGCACGTAGGACACG-3'
Protein context (NP_001104026.1, residues 1133-1153): DYNINILFAD[Thr1143=]HIPGSPFKAH